The following is an entry in ClinVar:

ClinVar aggregate classification (germline): Likely pathogenic (1 of 4 stars; one submission).

Conditions:
RYR1-related disorder. Also called: RYR1-related condition; RYR1-related disorders. Identifiers: MedGen CN239331.

Submission:

Labcorp Genetics (formerly Invitae), Labcorp
Classification: Likely pathogenic for RYR1-related disorder. Last evaluated: 2021-10-28. Review status: criteria provided, single submitter. Criteria: Invitae Variant Classification Sherloc (09022015). Collection method: clinical testing. Allele origin: germline.
Comment: This variant results in a copy number gain of the genomic region encompassing exon(s) 89 of the RYR1 gene. While the exact position of this variant cannot be determined from the data, sub-genic copy number gains are generally in tandem (PMID: 25640679). This variant is predicted to be out-of-frame, and may result in an absent or disrupted protein product. Loss-of-function variants in RYR1 are known to be pathogenic (PMID: 20583297, 20839240, 23919265, 28818389). This variant has not been reported in the literature in individuals affected with RYR1-related conditions. In summary, the currently available evidence indicates that the variant is pathogenic, but additional data are needed to prove that conclusively. Therefore, this variant has been classified as Likely Pathogenic.

Literature cited by the submitters: PubMed 25640679; PubMed 20583297; PubMed 20839240; PubMed 23919265; PubMed 28818389.

NC_000019.9:g.(?_39038853)_(39039080_?)dup

Gene: RYR1 (ryanodine receptor 1; plus strand). Cytogenetic location: 19q13.2.
Variant type: Duplication.
Identifiers: ClinVar variation 2423270 (VCV002423270.3).